The following is an entry in ClinVar:

ClinVar aggregate classification (germline): Uncertain significance (1 of 4 stars; one submission).

Conditions:
Gorlin syndrome. Also called: Nevoid Basal Cell Carcinoma Syndrome; Basal cell nevus syndrome. Identifiers: Orphanet 377, MedGen C0004779, MONDO:0007187.
Medulloblastoma (MDB). Also called: Medulloblastoma, somatic; MEDULLOBLASTOMA PREDISPOSITION SYNDROME. Identifiers: Orphanet 616, MedGen C0025149, MeSH D008527, MONDO:0007959, OMIM 155255, HP:0002885.

gnomAD v4.1: 1 of 1,614,156 alleles (0.000062%); highest among the groups gnomAD compares: Non-Finnish European, 0.000085%; no homozygotes.

Submission:

Labcorp Genetics (formerly Invitae), Labcorp
Classification: Uncertain significance for Gorlin syndrome; Medulloblastoma. Last evaluated: 2026-01-06. Review status: criteria provided, single submitter. Criteria: Invitae Variant Classification Sherloc (09022015). Collection method: clinical testing. Allele origin: germline.
Comment: This sequence change replaces asparagine, which is neutral and polar, with histidine, which is basic and polar, at codon 102 of the SUFU protein (p.Asn102His). This variant is not present in population databases (gnomAD no frequency). This variant has not been reported in the literature in individuals affected with SUFU-related conditions. Invitae Evidence Modeling of protein sequence and biophysical properties (such as structural, functional, and spatial information, amino acid conservation, physicochemical variation, residue mobility, and thermodynamic stability) indicates that this missense variant is not expected to disrupt SUFU protein function with a negative predictive value of 80%. In summary, the available evidence is currently insufficient to determine the role of this variant in disease. Therefore, it has been classified as a Variant of Uncertain Significance.

NM_016169.4(SUFU):c.304A>C (p.Asn102His)

Gene: SUFU (SUFU negative regulator of hedgehog signaling; plus strand). Cytogenetic location: 10q24.32.
Variant type: single nucleotide variant.
Coding change: c.304A>C on transcript NM_016169.4 (MANE Select); coding-DNA position 304, A replaced by C.
Protein change: p.Asn102His; replaces asparagine 102 with histidine.
Molecular consequence: missense variant.
Genome position (GRCh38, 1-based): chr10:102,509,290, A>C. VCF-style: chr10-102509290-A-C. GRCh37 (hg19) VCF-style: chr10-104269047-A-C.
Other names: c.304A>C, p.Asn102His (NM_001178133.2); short protein forms N102H.
Identifiers: ClinVar variation 4791411 (VCV004791411.1).